The following is an entry in ClinVar:

ClinVar aggregate classification (germline): Uncertain significance (1 of 4 stars; one submission).

Conditions:
Hereditary cancer-predisposing syndrome. Also called: Hereditary Cancer Syndrome; Hereditary neoplastic syndrome; Neoplastic Syndromes, Hereditary; Tumor predisposition. Identifiers: Orphanet 140162, MedGen C0027672, MeSH D009386, MONDO:0015356.

Allele frequency attached by ClinVar (database versions not stated): gnomAD 0.00001; TOPMed below 0.00001.
gnomAD v4.1: 1 of 1,604,432 alleles (0.000062%); highest among the groups gnomAD compares: Non-Finnish European, 0.000085%; no homozygotes.

Submission:

Ambry Genetics
Classification: Uncertain significance for Hereditary cancer-predisposing syndrome. Last evaluated: 2026-07-31. Review status: criteria provided, single submitter. Criteria: Ambry Variant Classification Scheme 2023. Collection method: clinical testing. Allele origin: germline.
Comment: The p.Y166C variant (also known as c.497A>G), located in coding exon 4 of the STK11 gene, results from an A to G substitution at nucleotide position 497. The tyrosine at codon 166 is replaced by cysteine, an amino acid with highly dissimilar properties. This amino acid position is highly conserved in available vertebrate species. In addition, this alteration is predicted to be deleterious by in silico analysis. Based on the available evidence, the clinical significance of this variant remains unclear.

NM_000455.5(STK11):c.497A>G (p.Tyr166Cys)

Gene: STK11 (serine/threonine kinase 11; plus strand). Cytogenetic location: 19p13.3.
Variant type: single nucleotide variant.
Coding change: c.497A>G on transcript NM_000455.5 (MANE Select); coding-DNA position 497, A replaced by G.
Protein change: p.Tyr166Cys; replaces tyrosine 166 with cysteine.
Molecular consequence: missense variant.
Genome position (GRCh38, 1-based): chr19:1,220,405, A>G. VCF-style: chr19-1220405-A-G. GRCh37 (hg19) VCF-style: chr19-1220404-A-G.
Other names: c.497A>G, p.Tyr166Cys (NM_001407255.1); short protein forms Y166C.
Identifiers: ClinVar variation 1744514 (VCV001744514.3), dbSNP rs1387789089, ClinGen allele CA402948882.